The following is an entry in ClinVar:

ClinVar aggregate classification (germline): Conflicting classifications of pathogenicity. Review status: criteria provided, conflicting classifications (1 of 4 stars). 2 submissions from 2 submitters: Likely pathogenic (1); Uncertain significance (1). Last evaluated 2025-09-08.

Conditions:
Landau-Kleffner syndrome (FESD). Also called: EPILEPSY, FOCAL, WITH SPEECH DISORDER AND WITH OR WITHOUT MENTAL RETARDATION; APHASIA, ACQUIRED, WITH EPILEPSY. Identifiers: Orphanet 1945, Orphanet 725, Orphanet 98818, MedGen C0282512, MONDO:0009509, OMIM 245570.
Inborn genetic diseases. Identifiers: MedGen C0950123, MeSH D030342.

Submissions (2):

Ambry Genetics
Classification: Uncertain significance for Inborn genetic diseases. Last evaluated: 2025-09-08. Review status: criteria provided, single submitter. Criteria: Ambry Variant Classification Scheme 2023. Collection method: clinical testing. Allele origin: germline.
Comment: The c.3817C>T (p.Q1273*) alteration, located in exon 14 (coding exon 12) of the GRIN2A gene, consists of a C to T substitution at nucleotide position 3817. This changes the amino acid from a glutamine (Q) to a stop codon at amino acid position 1273. This variant is not expected to trigger nonsense-mediated mRNA decay and impacts the last 12% of the protein. The exact functional effect of this alteration is unknown. This variant was not reported in population-based cohorts in the Genome Aggregation Database (gnomAD). Based on insufficient or conflicting evidence, the clinical significance of this alteration remains unclear.

Solve-RD Consortium
Classification: Likely pathogenic for Landau-Kleffner syndrome. Review status: criteria provided, single submitter. Criteria: ACMG Guidelines, 2015. Collection method: provider interpretation. Allele origin: germline. Inheritance: Autosomal dominant inheritance. Affected: yes. Study: Solve-RD DIFT-EpiCARE reanalysis.
Comment: PVS1, PM2

Variant identified during reanalysis of unsolved cases by the Solve-RD project. The Solve-RD project has received funding from the European Union’s Horizon 2020 research and innovation programme under grant agreement No 779257.

NM_001134407.3(GRIN2A):c.3817C>T (p.Gln1273Ter)

Gene: GRIN2A (glutamate ionotropic receptor NMDA type subunit 2A; minus strand). Cytogenetic location: 16p13.2.
Variant type: single nucleotide variant.
Coding change: c.3817C>T on transcript NM_001134407.3 (MANE Select); coding-DNA position 3817, C replaced by T.
Protein change: p.Gln1273Ter; replaces glutamine 1273 with a stop codon.
Molecular consequence: nonsense. On other transcripts: intron variant (1).
Genome position (GRCh38, 1-based): chr16:9,763,727, G>A on the plus strand (C>T on the coding strand, the complement: GRIN2A is on the minus strand). VCF-style: chr16-9763727-G-A. GRCh37 (hg19) VCF-style: chr16-9857584-G-A.
Other names: c.3817C>T, p.Gln1273Ter (NM_000833.5); c.3772+45C>T (NM_001134408.2); short protein forms Q1273*.
Identifiers: ClinVar variation 4267035 (VCV004267035.2).